The following is an entry in ClinVar:

NM_020822.3(KCNT1):c.2013A>C (p.Thr671=)

Gene: KCNT1 (potassium sodium-activated channel subfamily T member 1; plus strand). Cytogenetic location: 9q34.3.
Variant type: single nucleotide variant.
Coding change: c.2013A>C on transcript NM_020822.3 (MANE Select); coding-DNA position 2013, A replaced by C.
Protein change: p.Thr671=; no amino-acid change (threonine 671 retained).
Molecular consequence: synonymous variant.
Genome position (GRCh38, 1-based): chr9:135,772,719, A>C. VCF-style: chr9-135772719-A-C. GRCh37 (hg19) VCF-style: chr9-138664565-A-C.
Other names: c.1878A>C, p.Thr626= (NM_001272003.2).
Identifiers: ClinVar variation 2951301 (VCV002951301.4), dbSNP rs2490986119, ClinGen allele CA375509896.

ClinVar aggregate classification (germline): Conflicting classifications of pathogenicity. Review status: criteria provided, conflicting classifications (1 of 4 stars). 2 submissions from 2 submitters: Uncertain significance (1); Likely benign (1). Last evaluated 2023-08-27.

Conditions:
Developmental and epileptic encephalopathy, 14 (DEE14). Also called: Early infantile epileptic encephalopathy 14. Identifiers: Orphanet 293181, MedGen C3554195, MONDO:0013989, OMIM 614959.
Autosomal dominant nocturnal frontal lobe epilepsy 5. Also called: KCNT1-Related Epilepsy; Epilepsy, nocturnal frontal lobe, 5; CILIARY DYSKINESIA, PRIMARY, 28, WITHOUT SITUS INVERSUS; CILIARY DYSKINESIA, PRIMARY, 28, WITH SITUS INVERSUS. Identifiers: Orphanet 98784, MedGen C3554306, MONDO:0014002, OMIM 615005.

Submissions (2):

Labcorp Genetics (formerly Invitae), Labcorp
Classification: Uncertain significance for Autosomal dominant nocturnal frontal lobe epilepsy 5; Developmental and epileptic encephalopathy, 14. Last evaluated: 2023-08-27. Review status: criteria provided, single submitter. Criteria: Invitae Variant Classification Sherloc (09022015). Collection method: clinical testing. Allele origin: germline.
Comment: In summary, the available evidence is currently insufficient to determine the role of this variant in disease. Therefore, it has been classified as a Variant of Uncertain Significance. Algorithms developed to predict the effect of sequence changes on RNA splicing suggest that this variant may disrupt the consensus splice site. This variant has not been reported in the literature in individuals affected with KCNT1-related conditions. This variant is not present in population databases (gnomAD no frequency). This sequence change affects codon 671 of the KCNT1 mRNA. It is a 'silent' change, meaning that it does not change the encoded amino acid sequence of the KCNT1 protein.

Blueprint Genetics
Classification: Likely benign. Last evaluated: 2022-07-19. Review status: criteria provided, single submitter. Criteria: ACMG Guidelines, 2015. Collection method: clinical testing. Allele origin: germline.